The following is an entry in ClinVar:

NM_001271.4(CHD2):c.4692+43A>G

Gene: CHD2 (chromodomain helicase DNA binding protein 2; plus strand). Cytogenetic location: 15q26.1.
Variant type: single nucleotide variant.
Coding change: c.4692+43A>G on transcript NM_001271.4 (MANE Select); 43 bases into the intron after coding-DNA position 4692, A replaced by G.
Molecular consequence: intron variant.
Genome position (GRCh38, 1-based): chr15:93,012,487, A>G. VCF-style: chr15-93012487-A-G. GRCh37 (hg19) VCF-style: chr15-93555717-A-G.
Identifiers: ClinVar variation 680221 (VCV000680221.6), dbSNP rs2119010, ClinGen allele CA7748532.

ClinVar aggregate classification (germline): Benign. Review status: criteria provided, multiple submitters, no conflicts (2 of 4 stars). 4 submissions from 4 submitters: Benign (4). Last evaluated 2024-07-15.

Conditions:
Developmental and epileptic encephalopathy 94 (DEE94). Also called: Epileptic encephalopathy, childhood-onset; CHD2-Related Neurodevelopmental Disorders. Identifiers: Orphanet 1942, Orphanet 2382, MedGen C3809278, MONDO:0014150, OMIM 615369.

Allele frequency attached by ClinVar (database versions not stated): 1000 Genomes Project 30x 0.11618; 1000 Genomes Project 0.11681; gnomAD 0.17711 and 0.18154; ExAC 0.18119; TOPMed 0.18309; gnomAD exomes 0.18579 and 0.22500; ESP Exome Variant Server 0.19074.
gnomAD v4.1: 296,056 of 1,351,610 alleles (22%); highest among the groups gnomAD compares: Non-Finnish European, 25%; 35,987 homozygotes.

Submissions (4):

Unidad de Genómica Garrahan, Hospital de Pediatría Garrahan
Classification: Benign. Last evaluated: 2024-07-15. Review status: criteria provided, single submitter. Criteria: ACMG Guidelines, 2015. Collection method: clinical testing. Allele origin: germline. Affected: no. Observed: 36 variant alleles.
Comment: This variant is classified as Benign based on local population frequency. This variant was detected in 39% of patients studied in a panel designed for Epileptic and Developmental Encephalopathy and Progressive Myoclonus Epilepsy. Number of patients: 36. Only high quality variants are reported.

Genome-Nilou Lab
Classification: Benign for Developmental and epileptic encephalopathy 94. Last evaluated: 2021-07-22. Review status: criteria provided, single submitter. Criteria: ACMG Guidelines, 2015. Collection method: clinical testing. Allele origin: germline. Affected: no.

GeneDx
Classification: Benign. Last evaluated: 2018-06-18. Review status: criteria provided, single submitter. Criteria: GeneDx Variant Classification (06012015). Collection method: clinical testing. Allele origin: germline. Affected: yes.
Comment: This variant is considered likely benign or benign based on one or more of the following criteria: it is a conservative change, it occurs at a poorly conserved position in the protein, it is predicted to be benign by multiple in silico algorithms, and/or has population frequency not consistent with disease.

Breakthrough Genomics
Classification: Benign. Review status: criteria provided, single submitter. Criteria: ACMG Guidelines, 2015. Collection method: not provided. Allele origin: germline. Inheritance: Autosomal dominant inheritance. Affected: yes.